The following is an entry in ClinVar:

NM_181712.5(KANK4):c.1234G>T (p.Val412Leu)

Gene: KANK4 (KN motif and ankyrin repeat domains 4; minus strand). Cytogenetic location: 1p31.3.
Variant type: single nucleotide variant.
Coding change: c.1234G>T on transcript NM_181712.5 (MANE Select); coding-DNA position 1234, G replaced by T.
Protein change: p.Val412Leu; replaces valine 412 with leucine.
Molecular consequence: missense variant. On other transcripts: intron variant (1).
Genome position (GRCh38, 1-based): chr1:62,273,870, C>A on the plus strand (G>T on the coding strand, the complement: KANK4 is on the minus strand). VCF-style: chr1-62273870-C-A. GRCh37 (hg19) VCF-style: chr1-62739542-C-A.
Other names: c.17-2281G>T (NM_001320269.2); short protein forms V412L.
Identifiers: ClinVar variation 3287334 (VCV003287334.3).

ClinVar aggregate classification (germline): Uncertain significance. Review status: criteria provided, multiple submitters, no conflicts (2 of 4 stars). 2 submissions from 2 submitters: Uncertain significance (2). Last evaluated 2025-12-15.

gnomAD v4.1: 7 of 1,614,078 alleles (0.00043%); highest among the groups gnomAD compares: African/African-American, 0.0027%; no homozygotes.

Submissions (2):

Labcorp Genetics (formerly Invitae), Labcorp
Classification: Uncertain significance. Last evaluated: 2025-12-15. Review status: criteria provided, single submitter. Criteria: Invitae Variant Classification Sherloc (09022015). Collection method: clinical testing. Allele origin: germline.
Comment: This sequence change replaces valine, which is neutral and non-polar, with leucine, which is neutral and non-polar, at codon 412 of the KANK4 protein (p.Val412Leu). This variant is present in population databases (no rsID available, gnomAD 0.0009%). This variant has not been reported in the literature in individuals affected with KANK4-related conditions. ClinVar contains an entry for this variant (Variation ID: 3287334). An algorithm developed to predict the effect of missense changes on protein structure and function (PolyPhen-2) suggests that this variant is likely to be tolerated. In summary, the available evidence is currently insufficient to determine the role of this variant in disease. Therefore, it has been classified as a Variant of Uncertain Significance.

Ambry Genetics
Classification: Uncertain significance. Last evaluated: 2024-04-15. Review status: criteria provided, single submitter. Criteria: Ambry Variant Classification Scheme 2023. Collection method: clinical testing. Allele origin: germline.